The following is an entry in ClinVar:

NM_002691.4(POLD1):c.1343T>C (p.Val448Ala)

Gene: POLD1 (DNA polymerase delta 1, catalytic subunit; plus strand). Cytogenetic location: 19q13.33.
Variant type: single nucleotide variant.
Coding change: c.1343T>C on transcript NM_002691.4 (MANE Select); coding-DNA position 1343, T replaced by C.
Protein change: p.Val448Ala; replaces valine 448 with alanine.
Molecular consequence: missense variant. On other transcripts: non-coding transcript variant (1).
Genome position (GRCh38, 1-based): chr19:50,406,282, T>C. VCF-style: chr19-50406282-T-C. GRCh37 (hg19) VCF-style: chr19-50909539-T-C.
Other names: c.1343T>C, p.Val448Ala (NM_001308632.1, NM_001256849.1); short protein forms V448A.
Identifiers: ClinVar variation 2118282 (VCV002118282.4), dbSNP rs2122320239, ClinGen allele CA406979912.

ClinVar aggregate classification (germline): Uncertain significance (1 of 4 stars; one submission).

Conditions:
POLD1-related polyposis and colorectal cancer syndrome (CRCS10). Also called: Colorectal cancer 10; COLORECTAL CANCER, SUSCEPTIBILITY TO, ON CHROMOSOME 19q; Colorectal cancer, susceptibility to, 10. Identifiers: Orphanet 220460, MedGen C2675481, MONDO:0012953, OMIM 612591.

Submission:

Labcorp Genetics (formerly Invitae), Labcorp
Classification: Uncertain significance for POLD1-related polyposis and colorectal cancer syndrome. Last evaluated: 2023-05-01. Review status: criteria provided, single submitter. Criteria: Invitae Variant Classification Sherloc (09022015). Collection method: clinical testing. Allele origin: germline.
Comment: Advanced modeling of protein sequence and biophysical properties (such as structural, functional, and spatial information, amino acid conservation, physicochemical variation, residue mobility, and thermodynamic stability) performed at Invitae indicates that this missense variant is not expected to disrupt POLD1 protein function. ClinVar contains an entry for this variant (Variation ID: 2118282). This variant has not been reported in the literature in individuals affected with POLD1-related conditions. This variant is not present in population databases (gnomAD no frequency). This sequence change replaces valine, which is neutral and non-polar, with alanine, which is neutral and non-polar, at codon 448 of the POLD1 protein (p.Val448Ala). In summary, the available evidence is currently insufficient to determine the role of this variant in disease. Therefore, it has been classified as a Variant of Uncertain Significance.